The following is an entry in ClinVar:

ClinVar aggregate classification (germline): Uncertain significance (1 of 4 stars; one submission).

Conditions:
Hypertrophic cardiomyopathy. Also called: HYPERTROPHIC MYOCARDIOPATHY. Identifiers: Orphanet 217569, MedGen C0007194, MeSH D002312, MONDO:0005045, HP:0001639.

gnomAD v4.1: 3 of 1,498,002 alleles (0.0002%); no homozygotes.

Submission:

Labcorp Genetics (formerly Invitae), Labcorp
Classification: Uncertain significance for Hypertrophic cardiomyopathy. Last evaluated: 2024-02-13. Review status: criteria provided, single submitter. Criteria: Invitae Variant Classification Sherloc (09022015). Collection method: clinical testing. Allele origin: germline.
Comment: This sequence change creates a premature translational stop signal (p.Glu476*) in the JPH2 gene. It is expected to result in an absent or disrupted protein product. However, the current clinical and genetic evidence is not sufficient to establish whether loss-of-function variants in JPH2 cause disease. This variant is present in population databases (no rsID available, gnomAD 0.02%). This premature translational stop signal has been observed in individual(s) with dilated cardiomyopathy (PMID: 34036930). Experimental studies and prediction algorithms are not available or were not evaluated, and the functional significance of this variant is currently unknown. In summary, the available evidence is currently insufficient to determine the role of this variant in disease. Therefore, it has been classified as a Variant of Uncertain Significance.

Literature cited by the submitters: PubMed 34036930.

NM_020433.5(JPH2):c.1426G>T (p.Glu476Ter)

Gene: JPH2 (junctophilin 2; minus strand). Cytogenetic location: 20q13.12.
Variant type: single nucleotide variant.
Coding change: c.1426G>T on transcript NM_020433.5 (MANE Select); coding-DNA position 1426, G replaced by T.
Protein change: p.Glu476Ter; replaces glutamic acid 476 with a stop codon.
Molecular consequence: nonsense.
Genome position (GRCh38, 1-based): chr20:44,116,249, C>A on the plus strand (G>T on the coding strand, the complement: JPH2 is on the minus strand). VCF-style: chr20-44116249-C-A. GRCh37 (hg19) VCF-style: chr20-42744889-C-A.
Other names: short protein forms E476*.
Identifiers: ClinVar variation 3698326 (VCV003698326.2).